The following is an entry in ClinVar:

NM_006904.7(PRKDC):c.3721C>T (p.Leu1241Phe)

Gene: PRKDC (protein kinase, DNA-activated, catalytic subunit; minus strand). Cytogenetic location: 8q11.21.
Variant type: single nucleotide variant.
Coding change: c.3721C>T on transcript NM_006904.7 (MANE Select); coding-DNA position 3721, C replaced by T.
Protein change: p.Leu1241Phe; replaces leucine 1241 with phenylalanine.
Molecular consequence: missense variant.
Genome position (GRCh38, 1-based): chr8:47,893,265, G>A on the plus strand (C>T on the coding strand, the complement: PRKDC is on the minus strand). VCF-style: chr8-47893265-G-A. GRCh37 (hg19) VCF-style: chr8-48805825-G-A.
Other names: c.3721C>T, p.Leu1241Phe (NM_001081640.2); short protein forms L1241F.
Identifiers: ClinVar variation 1952849 (VCV001952849.5), dbSNP rs1161191961, ClinGen allele CA371150540.

ClinVar aggregate classification (germline): Uncertain significance. Review status: criteria provided, multiple submitters, no conflicts (2 of 4 stars). 2 submissions from 2 submitters: Uncertain significance (2). Last evaluated 2024-10-31.

Conditions:
Severe combined immunodeficiency due to DNA-PKcs deficiency. Also called: IMMUNODEFICIENCY 26 WITH NEUROLOGIC ABNORMALITIES; Immunodeficiency 26 with or without neurologic abnormalities. Identifiers: Orphanet 317425, MedGen C4014833, MONDO:0014423, OMIM 615966.

Allele frequency attached by ClinVar (database versions not stated): gnomAD exomes below 0.00001.
gnomAD v4.1: 7 of 1,612,244 alleles (0.00043%); highest among the groups gnomAD compares: Non-Finnish European, 0.00051%; no homozygotes.

Submissions (2):

Ambry Genetics
Classification: Uncertain significance. Last evaluated: 2024-10-31. Review status: criteria provided, single submitter. Criteria: Ambry Variant Classification Scheme 2023. Collection method: clinical testing. Allele origin: germline.
Comment: The p.L1241F variant (also known as c.3721C>T), located in coding exon 31 of the PRKDC gene, results from a C to T substitution at nucleotide position 3721. The leucine at codon 1241 is replaced by phenylalanine, an amino acid with highly similar properties. This amino acid position is conserved. In addition, this alteration is predicted to be tolerated by in silico analysis. Based on the available evidence, the clinical significance of this variant remains unclear.

Labcorp Genetics (formerly Invitae), Labcorp
Classification: Uncertain significance for Severe combined immunodeficiency due to DNA-PKcs deficiency. Last evaluated: 2022-08-31. Review status: criteria provided, single submitter. Criteria: Invitae Variant Classification Sherloc (09022015). Collection method: clinical testing. Allele origin: germline.
Comment: This variant is not present in population databases (gnomAD no frequency). This sequence change replaces leucine, which is neutral and non-polar, with phenylalanine, which is neutral and non-polar, at codon 1241 of the PRKDC protein (p.Leu1241Phe). This variant has not been reported in the literature in individuals affected with PRKDC-related conditions. Experimental studies and prediction algorithms are not available or were not evaluated, and the functional significance of this variant is currently unknown. In summary, the available evidence is currently insufficient to determine the role of this variant in disease. Therefore, it has been classified as a Variant of Uncertain Significance.